The following is an entry in ClinVar:

ClinVar aggregate classification (germline): Likely benign. Review status: criteria provided, multiple submitters, no conflicts (2 of 4 stars). 3 submissions from 3 submitters: Likely benign (3). Last evaluated 2026-02-25.

Conditions:
NTRK2-related disorder. Also called: NTRK2-related condition.

Allele frequency attached by ClinVar (database versions not stated): gnomAD 0.00001; gnomAD exomes 0.00001; ExAC 0.00002.
gnomAD v4.1: 12 of 1,612,198 alleles (0.00074%); highest among the groups gnomAD compares: Non-Finnish European, 0.00093%; no homozygotes.

Submissions (3):

PreventionGenetics, part of Exact Sciences
Classification: Likely benign for NTRK2-related condition. Last evaluated: 2026-02-25. Review status: criteria provided, single submitter. Criteria: ACMG Guidelines, 2015. Collection method: clinical testing. Allele origin: germline.
Comment: This variant is classified as likely benign based on ACMG/AMP sequence variant interpretation guidelines (Richards et al. 2015 PMID: 25741868, with internal and published modifications).

Labcorp Genetics (formerly Invitae), Labcorp
Classification: Likely benign. Last evaluated: 2023-11-19. Review status: criteria provided, single submitter. Criteria: Invitae Variant Classification Sherloc (09022015). Collection method: clinical testing. Allele origin: germline.

Blueprint Genetics
Classification: Likely benign. Last evaluated: 2023-06-27. Review status: criteria provided, single submitter. Criteria: ACMG Guidelines, 2015. Collection method: clinical testing. Allele origin: germline.

NM_006180.6(NTRK2):c.1290T>C (p.His430=)

Gene: NTRK2 (neurotrophic receptor tyrosine kinase 2; plus strand). Cytogenetic location: 9q21.33.
Variant type: single nucleotide variant.
Coding change: c.1290T>C on transcript NM_006180.6 (MANE Select); coding-DNA position 1290, T replaced by C.
Protein change: p.His430=; no amino-acid change (histidine 430 retained).
Molecular consequence: synonymous variant.
Genome position (GRCh38, 1-based): chr9:84,745,067, T>C. VCF-style: chr9-84745067-T-C. GRCh37 (hg19) VCF-style: chr9-87359982-T-C.
Other names: c.1290T>C (NM_006180.4); c.1290T>C, p.His430= (NM_001007097.3, NM_001018064.3, NM_001018065.2 and 15 more transcripts); c.1251T>C, p.His417= (NM_001291937.2, NM_001369546.1); c.1254T>C, p.His418= (NM_001369534.1); c.822T>C, p.His274= (NM_001369535.1, NM_001369536.1, NM_001369550.1 and 2 more transcripts).
Identifiers: ClinVar variation 1623572 (VCV001623572.10), dbSNP rs749195330, ClinGen allele CA5105695.